The following is an entry in ClinVar:

NM_000135.4(FANCA):c.4303G>A (p.Ala1435Thr)

Genes: FANCA (FA complementation group A; minus strand), ZNF276 (zinc finger protein 276; plus strand). Cytogenetic location: 16q24.3.
Variant type: single nucleotide variant.
Coding change: c.4303G>A on transcript NM_000135.4 (MANE Select); coding-DNA position 4303, G replaced by A.
Protein change: p.Ala1435Thr; replaces alanine 1435 with threonine.
Molecular consequence: missense variant. On other transcripts: 3 prime UTR variant (3), non-coding transcript variant (4).
Genome position (GRCh38, 1-based): chr16:89,738,666, C>T on the plus strand (G>A on the coding strand, the complement: FANCA is on the minus strand). VCF-style: chr16-89738666-C-T. GRCh37 (hg19) VCF-style: chr16-89805074-C-T.
Other names: p.Ala1435Thr; c.*32G>A (NM_001286167.3); c.*420C>T (NM_001113525.2, NM_152287.4); short protein forms A1435T.
Identifiers: ClinVar variation 414830 (VCV000414830.21), dbSNP rs74977201, ClinGen allele CA8250579.

ClinVar aggregate classification (germline): Conflicting classifications of pathogenicity. Review status: criteria provided, conflicting classifications (1 of 4 stars). 7 submissions from 7 submitters: Uncertain significance (2); Likely benign (4). 1 of the submissions does not count toward it. Last evaluated 2026-01-26.

Conditions:
Inborn genetic diseases. Identifiers: MedGen C0950123, MeSH D030342.
FANCA-related disorder. Also called: FANCA-related condition.
Fanconi anemia (FA). Also called: Fanconi's anemia. Identifiers: Orphanet 84, MedGen C0015625, MeSH D005199, MONDO:0019391.
Fanconi anemia complementation group A (FANCA). Also called: Fanconi anemia, group A; FANCA-Related Fanconi Anemia. Identifiers: Orphanet 84, MedGen C3469521, MONDO:0009215, OMIM 227650.

Allele frequency attached by ClinVar (database versions not stated): gnomAD 0.00163 and 0.00176; 1000 Genomes Project 30x 0.00172; TOPMed 0.00196; ESP Exome Variant Server 0.00208; gnomAD exomes 0.00041; 1000 Genomes Project 0.00160.
gnomAD v4.1: 507 of 1,613,026 alleles (0.031%); highest among the groups gnomAD compares: African/African-American, 0.6%; 2 homozygotes.

Submissions (7):

Labcorp Genetics (formerly Invitae), Labcorp
Classification: Likely benign for Fanconi anemia. Last evaluated: 2026-01-26. Review status: criteria provided, single submitter. Criteria: Invitae Variant Classification Sherloc (09022015). Collection method: clinical testing. Allele origin: germline.

Quest Diagnostics Nichols Institute San Juan Capistrano
Classification: Likely benign. Last evaluated: 2025-05-21. Review status: criteria provided, single submitter. Criteria: Quest Diagnostics criteria. Collection method: clinical testing. Allele origin: unknown.

Ambry Genetics
Classification: Likely benign for Inborn genetic diseases. Last evaluated: 2024-10-05. Review status: criteria provided, single submitter. Criteria: Ambry Variant Classification Scheme 2023. Collection method: clinical testing. Allele origin: germline.

Blueprint Genetics
Classification: Likely benign. Last evaluated: 2024-09-11. Review status: criteria provided, single submitter. Criteria: ACMG Guidelines, 2015. Collection method: clinical testing. Allele origin: germline.

Mayo Clinic Laboratories, Mayo Clinic
Classification: Uncertain significance. Last evaluated: 2022-12-20. Review status: criteria provided, single submitter. Criteria: ACMG Guidelines, 2015. Collection method: clinical testing. Allele origin: germline. Observed: 1 variant allele.

Baylor Genetics
Classification: Uncertain significance for Fanconi anemia complementation group A. Last evaluated: 2020-09-18. Review status: criteria provided, single submitter. Criteria: ACMG Guidelines, 2015. Collection method: clinical testing. Allele origin: unknown. Affected: yes. Study: CSER-TexasKidsCanSeq.
Comment: This variant was determined to be of uncertain significance according to ACMG Guidelines, 2015 [PMID:25741868].

PreventionGenetics, part of Exact Sciences
Classification: Likely benign for FANCA-related condition. Last evaluated: 2019-09-20. Review status: no assertion criteria provided. Collection method: clinical testing. Allele origin: germline. Not counted in ClinVar's aggregate classification.
Comment: This variant is classified as likely benign based on ACMG/AMP sequence variant interpretation guidelines (Richards et al. 2015 PMID: 25741868, with internal and published modifications).

Literature cited by the submitters: PubMed 36898365 (cited by Quest Diagnostics Nichols Institute San Juan Capistrano); PubMed 38874686 (cited by Quest Diagnostics Nichols Institute San Juan Capistrano).